The following is an entry in ClinVar:

NM_003480.4(MFAP5):c.247+1G>C

Gene: MFAP5 (microfibril associated protein 5; minus strand). Cytogenetic location: 12p13.31.
Variant type: single nucleotide variant.
Coding change: c.247+1G>C on transcript NM_003480.4 (MANE Select); the canonical splice donor site of the intron after coding-DNA position 247, G replaced by C.
Molecular consequence: splice donor variant. On other transcripts: intron variant (4).
Genome position (GRCh38, 1-based): chr12:8,651,661, C>G on the plus strand (G>C on the coding strand, the complement: MFAP5 is on the minus strand). VCF-style: chr12-8651661-C-G. GRCh37 (hg19) VCF-style: chr12-8804257-C-G.
Other names: c.182-1072G>C (NM_001297710.2); c.173-1072G>C (NM_001297711.2); c.217+2776G>C (NM_001297712.2); c.218-1072G>C (NM_001297709.2).
Identifiers: ClinVar variation 2959079 (VCV002959079.4), dbSNP rs1439276264, ClinGen allele CA384039194.

ClinVar aggregate classification (germline): Uncertain significance (1 of 4 stars; one submission).

Allele frequency attached by ClinVar (database versions not stated): TOPMed below 0.00001.
gnomAD v4.1: 2 of 1,613,910 alleles (0.00012%); highest among the groups gnomAD compares: South Asian, 0.0011%; no homozygotes.

Submission:

Labcorp Genetics (formerly Invitae), Labcorp
Classification: Uncertain significance. Last evaluated: 2023-06-03. Review status: criteria provided, single submitter. Criteria: Invitae Variant Classification Sherloc (09022015). Collection method: clinical testing. Allele origin: germline.
Comment: This sequence change affects a donor splice site in intron 7 of the MFAP5 gene. It is expected to disrupt RNA splicing. Variants that disrupt the donor or acceptor splice site typically lead to a loss of protein function (PMID: 16199547), however the current clinical and genetic evidence is not sufficient to establish whether loss-of-function variants in MFAP5 cause disease. This variant is not present in population databases (gnomAD no frequency). This variant has not been reported in the literature in individuals affected with MFAP5-related conditions. Experimental studies and prediction algorithms are not available or were not evaluated, and the functional significance of this variant is currently unknown. In summary, the available evidence is currently insufficient to determine the role of this variant in disease. Therefore, it has been classified as a Variant of Uncertain Significance.

Literature cited by the submitters: PubMed 16199547.